The following is an entry in ClinVar:

NM_001384140.1(PCDH15):c.2728G>T (p.Ala910Ser)

Gene: PCDH15 (protocadherin related 15; minus strand). Cytogenetic location: 10q21.1.
Variant type: single nucleotide variant.
Coding change: c.2728G>T on transcript NM_001384140.1 (MANE Select); coding-DNA position 2728, G replaced by T.
Protein change: p.Ala910Ser; replaces alanine 910 with serine.
Molecular consequence: missense variant.
Genome position (GRCh38, 1-based): chr10:54,020,215, C>A on the plus strand (G>T on the coding strand, the complement: PCDH15 is on the minus strand). VCF-style: chr10-54020215-C-A. GRCh37 (hg19) VCF-style: chr10-55779975-C-A.
Other names: c.2743G>T, p.Ala915Ser (NM_001142763.2, NM_001142771.2); c.2728G>T, p.Ala910Ser (NM_001142764.2, NM_001142766.2, NM_001142770.3 and 5 more transcripts); c.2515G>T, p.Ala839Ser (NM_001142765.2); c.2617G>T, p.Ala873Ser (NM_001142767.2); c.2662G>T, p.Ala888Ser (NM_001142768.2, NM_001142773.2, NM_001354404.2); c.2764G>T, p.Ala922Ser (NM_001142769.4); c.2749G>T, p.Ala917Ser (NM_001354411.2); short protein forms A910S, A873S, A888S, A839S, A917S, A922S, A915S.
Identifiers: ClinVar variation 550483 (VCV000550483.36), dbSNP rs139175351, ClinGen allele CA5505953.

ClinVar aggregate classification (germline): Conflicting classifications of pathogenicity. Review status: criteria provided, conflicting classifications (1 of 4 stars). 8 submissions from 8 submitters: Uncertain significance (3); Likely benign (3). 2 of the submissions do not count toward it. Last evaluated 2026-05-04.

Conditions:
PCDH15-related disorder. Also called: PCDH15-related disorders; PCDH15-related condition.
Usher syndrome type 1F (USH1F). Also called: USHER SYNDROME, TYPE IF. Identifiers: Orphanet 231169, Orphanet 886, MedGen C1865885, MONDO:0011186, OMIM 602083.
Optic atrophy. Identifiers: MedGen C0029124, MONDO:0003608, HP:0000648.
Usher syndrome type 1D (USH1D). Also called: USHER SYNDROME, TYPE ID. Identifiers: Orphanet 231169, Orphanet 886, MedGen C1832845, MONDO:0010984, OMIM 601067.

Allele frequency attached by ClinVar (database versions not stated): gnomAD exomes 0.00009; ExAC 0.00011; gnomAD 0.00026 and 0.00028; TOPMed 0.00032; ESP Exome Variant Server 0.00054; 1000 Genomes Project 30x 0.00062; 1000 Genomes Project 0.00080.
gnomAD v4.1: 93 of 1,613,584 alleles (0.0058%); highest among the groups gnomAD compares: African/African-American, 0.096%; no homozygotes.

Submissions (8):

PreventionGenetics, part of Exact Sciences
Classification: Uncertain significance for PCDH15-related condition. Last evaluated: 2026-05-04. Review status: criteria provided, single submitter. Criteria: ACMG Guidelines, 2015. Collection method: clinical testing. Allele origin: germline.
Comment: The PCDH15 c.2728G>T variant is predicted to result in the amino acid substitution p.Ala910Ser. This variant has been reported in three unrelated patients with hearing loss, although conclusive evidence of pathogenicity was not presented (described as p.Ala915Ser, Dallol et al. 2016. PubMed ID: 27766948). This variant is reported in 0.12% of alleles in individuals of African descent in gnomAD, which may be too common to be a primary cause of disease. Although we suspect that this variant may be benign, at this time, the clinical significance of this variant is uncertain due to the absence of conclusive functional and genetic evidence.

Labcorp Genetics (formerly Invitae), Labcorp
Classification: Likely benign. Last evaluated: 2025-12-16. Review status: criteria provided, single submitter. Criteria: Invitae Variant Classification Sherloc (09022015). Collection method: clinical testing. Allele origin: germline.

CeGaT Center for Human Genetics Tuebingen
Classification: Likely benign. Last evaluated: 2024-05-01. Review status: criteria provided, single submitter. Criteria: CeGaT Center For Human Genetics Tuebingen Variant Classification Criteria Version 2. Collection method: clinical testing. Allele origin: germline. Affected: yes. Observed: 1 variant allele.
Comment: PCDH15: BS1:Supporting

Blueprint Genetics
Classification: Likely benign. Last evaluated: 2024-03-13. Review status: criteria provided, single submitter. Criteria: ACMG Guidelines, 2015. Collection method: clinical testing. Allele origin: germline.

Myriad Genetics, Inc.
Classification: Uncertain significance for Usher syndrome type 1D. Last evaluated: 2021-11-08. Review status: criteria provided, single submitter. Criteria: Myriad Women's Health Autosomal Recessive and X-Linked Classification Criteria (2021). Collection method: clinical testing. Allele origin: unknown.
Comment: NM_033056.3(PCDH15):c.2728G>T(A910S) is a missense variant classified as a variant of uncertain significance in the context of PCDH15-related disorders. A910S has been observed in cases with relevant disease (PMID: 27766948). Functional assessments of this variant are not available in the literature. A910S has been observed in population frequency databases (gnomAD: AFR 0.11%). In summary, there is insufficient evidence to classify NM_033056.3(PCDH15):c.2728G>T(A910S) as pathogenic or benign. Please note: this variant was assessed in the context of healthy population screening.

Laboratory for Molecular Medicine, Mass General Brigham Personalized Medicine
Classification: Uncertain significance. Last evaluated: 2018-12-27. Review status: criteria provided, single submitter. Criteria: LMM Criteria. Collection method: clinical testing. Allele origin: germline. Observed: 1 variant allele.
Comment: Variant classified as Uncertain Significance - Favor Benign. The p.Ala910Ser var iant in PCDH15 has been reported in three individuals from Saudi Arabia with hea ring loss (Dallol 2016), and it has also been reported in ClinVar (Variation ID: 550483). This variant has also been identified in 0.12% (29/24020) African chro mosomes by gnomAD. Computational prediction t ools and conservation analysis do not provide strong support for or against an i mpact to the protein. In summary, while the clinical significance of the p.Ala91 0Ser variant is uncertain, its frequency suggests that it is more likely to be b enign. ACMG/AMP Criteria applied: BS1_Supporting.

Institute of Human Genetics, Univ. Regensburg, Univ. Regensburg
Classification: Uncertain significance for Optic atrophy. Last evaluated: 2023-01-01. Review status: no assertion criteria provided. Criteria: ACMG Guidelines, 2015. Collection method: clinical testing. Allele origin: germline. Affected: yes. Not counted in ClinVar's aggregate classification.

Natera, Inc.
Classification: Uncertain significance for Usher syndrome type 1F. Last evaluated: 2020-09-16. Review status: no assertion criteria provided. Collection method: clinical testing. Allele origin: germline. Not counted in ClinVar's aggregate classification.

Literature cited by the submitters: PubMed 27766948 (cited by Myriad Genetics, Inc. and Laboratory for Molecular Medicine, Mass General Brigham Personalized Medicine).